The following is an entry in ClinVar:

NM_000264.5(PTCH1):c.4284A>T (p.Glu1428Asp)

Gene: PTCH1 (patched 1; minus strand). Cytogenetic location: 9q22.32.
Variant type: single nucleotide variant.
Coding change: c.4284A>T on transcript NM_000264.5 (MANE Select); coding-DNA position 4284, A replaced by T.
Protein change: p.Glu1428Asp; replaces glutamic acid 1428 with aspartic acid.
Molecular consequence: missense variant. On other transcripts: non-coding transcript variant (1).
Genome position (GRCh38, 1-based): chr9:95,446,972, T>A on the plus strand (A>T on the coding strand, the complement: PTCH1 is on the minus strand). VCF-style: chr9-95446972-T-A. GRCh37 (hg19) VCF-style: chr9-98209254-T-A.
Other names: c.4086A>T, p.Glu1362Asp (NM_001083602.3); c.4281A>T, p.Glu1427Asp (NM_001083603.3); c.3831A>T, p.Glu1277Asp (NM_001083604.3, NM_001083605.3, NM_001083606.3 and 1 more transcripts); c.4128A>T, p.Glu1376Asp (NM_001354918.2); short protein forms E1277D, E1362D, E1376D, E1427D, E1428D.
Identifiers: ClinVar variation 3231048 (VCV003231048.1), dbSNP rs1404752728, ClinGen allele CA374109958.

ClinVar aggregate classification (germline): Uncertain significance (1 of 4 stars; one submission).

Conditions:
Hereditary cancer-predisposing syndrome. Also called: Neoplastic Syndromes, Hereditary; Tumor predisposition; Hereditary neoplastic syndrome; Hereditary Cancer Syndrome. Identifiers: Orphanet 140162, MedGen C0027672, MeSH D009386, MONDO:0015356.

Submission:

Ambry Genetics
Classification: Uncertain significance for Hereditary cancer-predisposing syndrome. Last evaluated: 2023-09-21. Review status: criteria provided, single submitter. Criteria: Ambry Variant Classification Scheme 2023. Collection method: clinical testing. Allele origin: germline.
Comment: The p.E1428D variant (also known as c.4284A>T), located in coding exon 23 of the PTCH1 gene, results from an A to T substitution at nucleotide position 4284. The glutamic acid at codon 1428 is replaced by aspartic acid, an amino acid with highly similar properties. This amino acid position is conserved. In addition, the in silico prediction for this alteration is inconclusive. Since supporting evidence is limited at this time, the clinical significance of this alteration remains unclear.